The following is an entry in ClinVar:

ClinVar aggregate classification (germline): Likely benign. Review status: criteria provided, multiple submitters, no conflicts (2 of 4 stars). 3 submissions from 3 submitters: Likely benign (2). 1 of the submissions does not count toward it. Last evaluated 2025-10-07.

Conditions:
FAT4-related disorder. Also called: FAT4-related condition.

Allele frequency attached by ClinVar (database versions not stated): gnomAD 0.00002 and 0.00003; gnomAD exomes 0.00002; ExAC 0.00003; TOPMed 0.00003; 1000 Genomes Project 30x 0.00016; 1000 Genomes Project 0.00020.
gnomAD v4.1: 41 of 1,614,202 alleles (0.0025%); highest among the groups gnomAD compares: Middle Eastern, 0.049%; no homozygotes.

Submissions (3):

Labcorp Genetics (formerly Invitae), Labcorp
Classification: Likely benign. Last evaluated: 2025-10-07. Review status: criteria provided, single submitter. Criteria: Invitae Variant Classification Sherloc (09022015). Collection method: clinical testing. Allele origin: germline.

Blueprint Genetics
Classification: Likely benign. Last evaluated: 2024-10-23. Review status: criteria provided, single submitter. Criteria: ACMG Guidelines, 2015. Collection method: clinical testing. Allele origin: germline.

PreventionGenetics, part of Exact Sciences
Classification: Likely benign for FAT4-related condition. Last evaluated: 2022-07-11. Review status: no assertion criteria provided. Collection method: clinical testing. Allele origin: germline. Not counted in ClinVar's aggregate classification.
Comment: This variant is classified as likely benign based on ACMG/AMP sequence variant interpretation guidelines (Richards et al. 2015 PMID: 25741868, with internal and published modifications).

NM_001291303.3(FAT4):c.2646A>T (p.Thr882=)

Gene: FAT4 (FAT atypical cadherin 4; plus strand). Cytogenetic location: 4q28.1.
Variant type: single nucleotide variant.
Coding change: c.2646A>T on transcript NM_001291303.3 (MANE Select); coding-DNA position 2646, A replaced by T.
Protein change: p.Thr882=; no amino-acid change (threonine 882 retained).
Molecular consequence: synonymous variant.
Genome position (GRCh38, 1-based): chr4:125,319,057, A>T. VCF-style: chr4-125319057-A-T. GRCh37 (hg19) VCF-style: chr4-126240212-A-T.
Other names: c.2646A>T, p.Thr882= (NM_001291285.3, NM_024582.6); c.2646A>T (NM_024582.4).
Identifiers: ClinVar variation 1628749 (VCV001628749.11), dbSNP rs187912140, ClinGen allele CA3072191.